The following is an entry in ClinVar:

ClinVar aggregate classification (germline): Conflicting classifications of pathogenicity. Review status: criteria provided, conflicting classifications (1 of 4 stars). 5 submissions from 5 submitters: Likely pathogenic (1); Uncertain significance (4). Last evaluated 2026-02-01.

Conditions:
Wilson disease (WND). Also called: Wilson's disease. Identifiers: Orphanet 905, MedGen C0019202, MONDO:0010200, OMIM 277900. Disease mechanism: loss of function.

Allele frequency attached by ClinVar (database versions not stated): gnomAD exomes below 0.00001; TOPMed below 0.00001; ExAC 0.00001; gnomAD 0.00001; ESP Exome Variant Server 0.00008.
gnomAD v4.1: 1 of 1,614,070 alleles (0.000062%); highest among the groups gnomAD compares: Non-Finnish European, 0.000085%; no homozygotes.

Submissions (5):

CeGaT Center for Human Genetics Tuebingen
Classification: Likely pathogenic. Last evaluated: 2026-02-01. Review status: criteria provided, single submitter. Criteria: CeGaT Center For Human Genetics Tuebingen Variant Classification Criteria Version 2. Collection method: clinical testing. Allele origin: germline. Affected: yes. Observed: 3 variant alleles.
Comment: ATP7B: PM1, PM2, PM3:Supporting, PP3, PP4

Color Diagnostics, LLC DBA Color Health
Classification: Uncertain significance for Wilson disease. Last evaluated: 2025-07-09. Review status: criteria provided, single submitter. Criteria: ACMG Guidelines, 2015. Collection method: clinical testing. Allele origin: germline.
Comment: This missense variant replaces leucine with proline at codon 1057 of the ATP7B protein. Computational prediction suggests that this variant may have deleterious impact on protein structure and function. To our knowledge, functional studies have not been reported for this variant. This variant has not been reported in individuals affected with Wilson disease in the literature. This variant has been identified in 1/249378 chromosomes in the general population by the Genome Aggregation Database (gnomAD). The available evidence is insufficient to determine the role of this variant in disease conclusively. Therefore, this variant is classified as a Variant of Uncertain Significance.

All of Us Research Program, National Institutes of Health
Classification: Uncertain significance for Wilson disease. Last evaluated: 2023-02-24. Review status: criteria provided, single submitter. Criteria: ACMG Guidelines, 2015. Collection method: clinical testing. Allele origin: germline. Inheritance: Autosomal recessive inheritance. Observed: 2 variant alleles, 2 heterozygotes.
Comment: This missense variant replaces leucine with proline at codon 1057 of the ATP7B protein. Computational prediction suggests that this variant may have deleterious impact on protein structure and function (internally defined REVEL score threshold >= 0.7, PMID: 27666373). To our knowledge, functional studies have not been reported for this variant. This variant has not been reported in individuals affected with wilson disease in the literature. This variant has been identified in 1/249378 chromosomes in the general population by the Genome Aggregation Database (gnomAD). The available evidence is insufficient to determine the role of this variant in disease conclusively. Therefore, this variant is classified as a Variant of Uncertain Significance.

This study involves interpretation of variants in research participants for the purpose of population health screening. Participant phenotype was not available at the time of variant classification. Additional details can be found in publication PMID: 35346344, PMCID: PMC8962531

Fulgent Genetics
Classification: Uncertain significance for Wilson disease. Last evaluated: 2022-03-16. Review status: criteria provided, single submitter. Criteria: ACMG Guidelines, 2015. Collection method: clinical testing. Allele origin: unknown.

Labcorp Genetics (formerly Invitae), Labcorp
Classification: Uncertain significance for Wilson disease. Last evaluated: 2021-10-19. Review status: criteria provided, single submitter. Criteria: Invitae Variant Classification Sherloc (09022015). Collection method: clinical testing. Allele origin: germline.
Comment: This sequence change replaces leucine, a(n) neutral and non-polar amino acid, with proline, a(n) neutral and non-polar amino acid, at codon 1057 of the ATP7B protein (p.Leu1057Pro). This variant is present in population databases (rs373601229, gnomAD 0.0009%). This missense change has been observed in individual(s) with clinical features of Wilson disease (PMID: 19484379). Advanced modeling of protein sequence and biophysical properties (such as structural, functional, and spatial information, amino acid conservation, physicochemical variation, residue mobility, and thermodynamic stability) performed at Invitae indicates that this missense variant is expected to disrupt ATP7B protein function. In summary, the available evidence is currently insufficient to determine the role of this variant in disease. Therefore, it has been classified as a Variant of Uncertain Significance.

Literature cited by the submitters: PubMed 19484379 (cited by Labcorp Genetics (formerly Invitae), Labcorp).

NM_000053.4(ATP7B):c.3170T>C (p.Leu1057Pro)

Gene: ATP7B (ATPase copper transporting beta; minus strand). Cytogenetic location: 13q14.3.
Variant type: single nucleotide variant.
Coding change: c.3170T>C on transcript NM_000053.4 (MANE Select); coding-DNA position 3170, T replaced by C.
Protein change: p.Leu1057Pro; replaces leucine 1057 with proline.
Molecular consequence: missense variant.
Genome position (GRCh38, 1-based): chr13:51,944,182, A>G on the plus strand (T>C on the coding strand, the complement: ATP7B is on the minus strand). VCF-style: chr13-51944182-A-G. GRCh37 (hg19) VCF-style: chr13-52518318-A-G.
Other names: c.2549T>C, p.Leu850Pro (NM_001005918.3); c.2837T>C, p.Leu946Pro (NM_001243182.2); c.2936T>C, p.Leu979Pro (NM_001330578.2); c.2918T>C, p.Leu973Pro (NM_001330579.2); short protein forms L850P, L946P, L1057P, L973P, L979P.
Identifiers: ClinVar variation 1407650 (VCV001407650.12), dbSNP rs373601229, ClinGen allele CA6988790.